The following is an entry in ClinVar:

NM_000051.4(ATM):c.7359T>A (p.Arg2453=)

Genes: ATM (ATM serine/threonine kinase; plus strand), C11orf65 (chromosome 11 open reading frame 65; minus strand). Cytogenetic location: 11q22.3.
Variant type: single nucleotide variant.
Coding change: c.7359T>A on transcript NM_000051.4 (MANE Select); coding-DNA position 7359, T replaced by A.
Protein change: p.Arg2453=; no amino-acid change (arginine 2453 retained).
Molecular consequence: synonymous variant. On other transcripts: intron variant (2).
Genome position (GRCh38, 1-based): chr11:108,330,265, T>A. VCF-style: chr11-108330265-T-A. GRCh37 (hg19) VCF-style: chr11-108200992-T-A.
Other names: c.7359T>A, p.Arg2453= (NM_001351834.2); c.641-21194A>T (NM_001330368.2); c.*38+4955A>T (NM_001351110.2).
Identifiers: ClinVar variation 3253948 (VCV003253948.1), dbSNP rs786201541.

ClinVar aggregate classification (germline): Benign (1 of 4 stars; one submission).

Conditions:
Familial cancer of breast. Also called: hereditary breast carcinoma; BREAST CANCER, FAMILIAL; Hereditary breast cancer. Identifiers: Orphanet 227535, MedGen C0346153, MONDO:0016419, OMIM 114480. Disease mechanism: loss of function.

Submission:

Myriad Genetics, Inc.
Classification: Benign for Familial cancer of breast. Last evaluated: 2024-06-13. Review status: criteria provided, single submitter. Criteria: Myriad Autosomal Dominant, Autosomal Recessive and X-Linked Classification Criteria (2023). Collection method: clinical testing. Allele origin: unknown.
Comment: This variant is considered benign. This variant is a silent/synonymous amino acid change and it is not expected to impact splicing.